The following is an entry in ClinVar:

NM_001353921.2(ARHGEF9):c.248C>A (p.Pro83His)

Gene: ARHGEF9 (Cdc42 guanine nucleotide exchange factor 9; minus strand). Cytogenetic location: Xq11.1.
Variant type: single nucleotide variant.
Coding change: c.248C>A on transcript NM_001353921.2 (MANE Select); coding-DNA position 248, C replaced by A.
Protein change: p.Pro83His; replaces proline 83 with histidine.
Molecular consequence: missense variant. On other transcripts: 5 prime UTR variant (3).
Genome position (GRCh38, 1-based): chrX:63,706,412, G>T on the plus strand (C>A on the coding strand, the complement: ARHGEF9 is on the minus strand). VCF-style: chrX-63706412-G-T. GRCh37 (hg19) VCF-style: chrX-62926292-G-T.
Other names: c.68C>A, p.Pro23His (NM_001173479.2); c.-80C>A (NM_001173480.2, NM_001369042.1); c.164C>A, p.Pro55His (NM_001330495.2, NM_001353927.2, NM_001369033.1 and 8 more transcripts); c.248C>A, p.Pro83His (NM_001353922.2); c.266C>A, p.Pro89His (NM_001353923.1); c.47C>A, p.Pro16His (NM_001353924.2, NM_001353926.2, NM_001369039.1 and 1 more transcripts); c.227C>A, p.Pro76His (NM_001353928.2, NM_001369030.1, NM_001369031.1 and 2 more transcripts); c.-456C>A (NM_001369045.1); short protein forms P16H, P23H, P55H, P76H, P83H, P89H.
Identifiers: ClinVar variation 2698250 (VCV002698250.3), dbSNP rs1556402117, ClinGen allele CA413402317.
Genomic context (GRCh38, chrX:63,706,412, plus strand): 5'-GGCCGCCCCAGACAGAGGCAGTCTGAATTGGGGTCCAGGTGTCCGTTCTGCACATCGCTG[G>T]GCCCCTCCTCCACCTCATCCTCCTGGTTCACCCAGAGCTGTGGAAGCAGGCAAAAGAAAA-3'
Protein context (NP_001340850.1, residues 73-93): VNQEDEVEEG[Pro83His]SDVQNGHLDP

ClinVar aggregate classification (germline): Uncertain significance (1 of 4 stars; one submission).

Conditions:
Developmental and epileptic encephalopathy, 8 (DEE8). Also called: HYPEREKPLEXIA AND EPILEPSY. Identifiers: Orphanet 163985, Orphanet 2076, MedGen C1845102, MONDO:0010375, OMIM 300607.

Allele frequency attached by ClinVar (database versions not stated): gnomAD exomes below 0.00001.
gnomAD v4.1: 1 of 1,207,504 alleles (0.000083%); highest among the groups gnomAD compares: Non-Finnish European, 0.00011%; no homozygotes.

Submission:

Labcorp Genetics (formerly Invitae), Labcorp
Classification: Uncertain significance for Developmental and epileptic encephalopathy, 8. Last evaluated: 2024-04-10. Review status: criteria provided, single submitter. Criteria: Invitae Variant Classification Sherloc (09022015). Collection method: clinical testing. Allele origin: germline.
Comment: This sequence change replaces proline, which is neutral and non-polar, with histidine, which is basic and polar, at codon 76 of the ARHGEF9 protein (p.Pro76His). This variant is not present in population databases (gnomAD no frequency). This variant has not been reported in the literature in individuals affected with ARHGEF9-related conditions. Advanced modeling of protein sequence and biophysical properties (such as structural, functional, and spatial information, amino acid conservation, physicochemical variation, residue mobility, and thermodynamic stability) performed at Invitae indicates that this missense variant is not expected to disrupt ARHGEF9 protein function with a negative predictive value of 80%. In summary, the available evidence is currently insufficient to determine the role of this variant in disease. Therefore, it has been classified as a Variant of Uncertain Significance.